The following is an entry in ClinVar:

ClinVar aggregate classification (germline): Benign. Review status: criteria provided, multiple submitters, no conflicts (2 of 4 stars). 5 submissions from 5 submitters: Benign (5). Last evaluated 2026-02-01.

Conditions:
Hyper-IgE recurrent infection syndrome 1, autosomal dominant. Also called: JOB SYNDROME; Job's Syndrome; STAT3 Hyper IgE Syndrome; Hyper-IgE recurrent infection syndrome 1; HYPER-IgE SYNDROME 1, AUTOSOMAL DOMINANT, WITH RECURRENT INFECTIONS. Identifiers: Orphanet 2314, MedGen C2936739, MONDO:0007818, OMIM 147060.
STAT3 gain of function. Identifiers: MedGen C4288261.

Allele frequency attached by ClinVar (database versions not stated): gnomAD 0.00856 and 0.00917; 1000 Genomes Project 0.00899; gnomAD exomes 0.00224; ExAC 0.00274; 1000 Genomes Project 30x 0.00859; TOPMed 0.00987; ESP Exome Variant Server 0.01053.
gnomAD v4.1: 2,532 of 1,614,040 alleles (0.16%); highest among the groups gnomAD compares: African/African-American, 3%; 46 homozygotes.

Submissions (21):

Labcorp Genetics (formerly Invitae), Labcorp
Classification: Benign for STAT3 gain of function; Hyper-IgE recurrent infection syndrome 1, autosomal dominant. Last evaluated: 2026-02-01. Review status: criteria provided, single submitter. Criteria: Invitae Variant Classification Sherloc (09022015). Collection method: clinical testing. Allele origin: germline.

ARUP Laboratories, Molecular Genetics and Genomics, ARUP Laboratories
Classification: Benign. Last evaluated: 2025-05-23. Review status: criteria provided, single submitter. Criteria: ARUP Molecular Germline Variant Investigation Process 2024. Collection method: clinical testing. Allele origin: germline.

Illumina Laboratory Services, Illumina
Classification: Benign for Hyper-IgE recurrent infection syndrome 1, autosomal dominant. Last evaluated: 2018-01-13. Review status: criteria provided, single submitter. Criteria: ICSL Variant Classification Criteria 13 December 2019. Collection method: clinical testing. Allele origin: germline.
Comment: This variant was observed in the ICSL laboratory as part of a predisposition screen in an ostensibly healthy population. It had not been previously curated by ICSL or reported in the Human Gene Mutation Database (HGMD: prior to June 1st, 2018), and was therefore a candidate for classification through an automated scoring system. Utilizing variant allele frequency, disease prevalence and penetrance estimates, and inheritance mode, an automated score was calculated to assess if this variant is too frequent to cause the disease. Based on the score and internal cut-off values, a variant classified as benign is not then subjected to further curation. The score for this variant resulted in a classification of benign for this disease.

GeneDx
Classification: Benign. Last evaluated: 2015-03-03. Review status: criteria provided, single submitter. Criteria: GeneDx Variant Classification Process June 2021. Collection method: clinical testing. Allele origin: germline. Affected: yes.

Women's Health and Genetics/Laboratory Corporation of America, LabCorp
Classification: Benign for Hyper IgE Syndrome. Last evaluated: 2011-08-18. Review status: criteria provided, single submitter. Criteria: LabCorp Variant Classification Summary - May 2015. Collection method: curation, clinical testing. Allele origin: germline. Inheritance: autosomal unknown. Affected: yes.
ClinVar note: Converted during submission from benign to Benign.

Dr. Peter K. Rogan Lab, Western University
No classification provided (evidence only). Condition: Lung cancer. Review status: no classification provided. Collection method: in vitro. Allele origin: not applicable. Functional consequence: retained intron. Not counted in ClinVar's aggregate classification.

Dr. Peter K. Rogan Lab, Western University
No classification provided (evidence only). Condition: Lung cancer. Review status: no classification provided. Collection method: in vitro. Allele origin: not applicable. Functional consequence: skipped exon, retained intron. Not counted in ClinVar's aggregate classification.

Dr. Peter K. Rogan Lab, Western University
No classification provided (evidence only). Condition: Lung cancer. Review status: no classification provided. Collection method: in vitro. Allele origin: not applicable. Functional consequence: retained intron. Not counted in ClinVar's aggregate classification.

Dr. Peter K. Rogan Lab, Western University
No classification provided (evidence only). Condition: Lung cancer. Review status: no classification provided. Collection method: in vitro. Allele origin: not applicable. Functional consequence: retained intron. Not counted in ClinVar's aggregate classification.

Dr. Peter K. Rogan Lab, Western University
No classification provided (evidence only). Condition: Squamous cell carcinoma of the head and neck. Review status: no classification provided. Collection method: in vitro. Allele origin: not applicable. Functional consequence: skipped exon, retained intron. Not counted in ClinVar's aggregate classification.

Dr. Peter K. Rogan Lab, Western University
No classification provided (evidence only). Condition: Uterine corpus endometrial carcinoma. Review status: no classification provided. Collection method: in vitro. Allele origin: not applicable. Functional consequence: retained intron. Not counted in ClinVar's aggregate classification.

Dr. Peter K. Rogan Lab, Western University
No classification provided (evidence only). Condition: Uterine corpus endometrial carcinoma. Review status: no classification provided. Collection method: in vitro. Allele origin: not applicable. Functional consequence: retained intron. Not counted in ClinVar's aggregate classification.

Dr. Peter K. Rogan Lab, Western University
No classification provided (evidence only). Condition: Uterine corpus endometrial carcinoma. Review status: no classification provided. Collection method: in vitro. Allele origin: not applicable. Functional consequence: retained intron. Not counted in ClinVar's aggregate classification.

Dr. Peter K. Rogan Lab, Western University
No classification provided (evidence only). Condition: Uterine corpus endometrial carcinoma. Review status: no classification provided. Collection method: in vitro. Allele origin: not applicable. Functional consequence: skipped exon, retained intron. Not counted in ClinVar's aggregate classification.

Dr. Peter K. Rogan Lab, Western University
No classification provided (evidence only). Condition: Uterine corpus endometrial carcinoma. Review status: no classification provided. Collection method: in vitro. Allele origin: not applicable. Functional consequence: skipped exon, retained intron. Not counted in ClinVar's aggregate classification.

Dr. Peter K. Rogan Lab, Western University
No classification provided (evidence only). Condition: Cervical cancer. Review status: no classification provided. Collection method: in vitro. Allele origin: not applicable. Functional consequence: retained intron. Not counted in ClinVar's aggregate classification.

Dr. Peter K. Rogan Lab, Western University
No classification provided (evidence only). Condition: Cervical cancer. Review status: no classification provided. Collection method: in vitro. Allele origin: not applicable. Functional consequence: retained intron. Not counted in ClinVar's aggregate classification.

Dr. Peter K. Rogan Lab, Western University
No classification provided (evidence only). Condition: Cervical cancer. Review status: no classification provided. Collection method: in vitro. Allele origin: not applicable. Functional consequence: skipped exon, retained intron. Not counted in ClinVar's aggregate classification.

Dr. Peter K. Rogan Lab, Western University
No classification provided (evidence only). Condition: Sarcoma. Review status: no classification provided. Collection method: in vitro. Allele origin: not applicable. Functional consequence: retained intron. Not counted in ClinVar's aggregate classification.

Dr. Peter K. Rogan Lab, Western University
No classification provided (evidence only). Condition: Thymoma. Review status: no classification provided. Collection method: in vitro. Allele origin: not applicable. Functional consequence: retained intron. Not counted in ClinVar's aggregate classification.

Dr. Peter K. Rogan Lab, Western University
No classification provided (evidence only). Condition: Thymoma. Review status: no classification provided. Collection method: in vitro. Allele origin: not applicable. Functional consequence: retained intron. Not counted in ClinVar's aggregate classification.

NM_139276.3(STAT3):c.1654-11C>G

Gene: STAT3 (signal transducer and activator of transcription 3; minus strand). Cytogenetic location: 17q21.2.
Variant type: single nucleotide variant.
Coding change: c.1654-11C>G on transcript NM_139276.3 (MANE Select); 11 bases into the intron before coding-DNA position 1654, C replaced by G.
Molecular consequence: intron variant.
Genome position (GRCh38, 1-based): chr17:42,323,365, G>C on the plus strand (C>G on the coding strand, the complement: STAT3 is on the minus strand). VCF-style: chr17-42323365-G-C. GRCh37 (hg19) VCF-style: chr17-40475383-G-C.
Other names: c.1558-11C>G (NM_001384989.1); c.1594-11C>G (NM_001384992.1); c.1570-11C>G (NM_001384984.1); c.1654-11C>G (NM_001369519.1, NM_003150.4, NM_001369517.1 and 10 more transcripts); c.1576-11C>G (NM_001384985.1); c.1633-11C>G (NM_001384987.1); c.1669-11C>G (NM_001384986.1, NM_001384990.1).
Identifiers: ClinVar variation 36787 (VCV000036787.21), dbSNP rs17882035, ClinGen allele CA260539.